The following is an entry in ClinVar:

NM_199355.4(ADAMTS18):c.2597G>T (p.Gly866Val)

Gene: ADAMTS18 (ADAM metallopeptidase with thrombospondin type 1 motif 18; minus strand). Cytogenetic location: 16q23.1.
Variant type: single nucleotide variant.
Coding change: c.2597G>T on transcript NM_199355.4 (MANE Select); coding-DNA position 2597, G replaced by T.
Protein change: p.Gly866Val; replaces glycine 866 with valine.
Molecular consequence: missense variant.
Genome position (GRCh38, 1-based): chr16:77,300,340, C>A on the plus strand (G>T on the coding strand, the complement: ADAMTS18 is on the minus strand). VCF-style: chr16-77300340-C-A. GRCh37 (hg19) VCF-style: chr16-77334237-C-A.
Other names: c.2081G>T, p.Gly694Val (NM_001326358.2); short protein forms G694V, G866V.
Identifiers: ClinVar variation 1388526 (VCV001388526.3), dbSNP rs768098437, ClinGen allele CA8180834.

ClinVar aggregate classification (germline): Uncertain significance (1 of 4 stars; one submission).

Allele frequency attached by ClinVar (database versions not stated): gnomAD exomes below 0.00001 and 0.00001; gnomAD 0.00001 and 0.00002; TOPMed 0.00006.
gnomAD v4.1: 8 of 1,613,668 alleles (0.0005%); highest among the groups gnomAD compares: African/African-American, 0.008%; no homozygotes.

Submission:

Labcorp Genetics (formerly Invitae), Labcorp
Classification: Uncertain significance. Last evaluated: 2022-06-03. Review status: criteria provided, single submitter. Criteria: Invitae Variant Classification Sherloc (09022015). Collection method: clinical testing. Allele origin: germline.
Comment: This sequence change replaces glycine with valine at codon 866 of the ADAMTS18 protein (p.Gly866Val). The glycine residue is weakly conserved and there is a moderate physicochemical difference between glycine and valine. This variant is present in population databases (rs768098437, gnomAD 0.02%). This variant has not been reported in the literature in individuals affected with ADAMTS18-related conditions. ClinVar contains an entry for this variant (Variation ID: 1388526). Algorithms developed to predict the effect of missense changes on protein structure and function output the following: SIFT: "Not Available"; PolyPhen-2: "Benign"; Align-GVGD: "Not Available". The valine amino acid residue is found in multiple mammalian species, which suggests that this missense change does not adversely affect protein function. In summary, the available evidence is currently insufficient to determine the role of this variant in disease. Therefore, it has been classified as a Variant of Uncertain Significance.